The following is an entry in ClinVar:

ClinVar aggregate classification (germline): Uncertain significance (1 of 4 stars; one submission).

gnomAD v4.1: 7 of 1,613,976 alleles (0.00043%); highest among the groups gnomAD compares: Admixed American, 0.0017%; no homozygotes.

Submission:

Mayo Clinic Laboratories, Mayo Clinic
Classification: Uncertain significance. Last evaluated: 2024-03-10. Review status: criteria provided, single submitter. Criteria: ACMG Guidelines, 2015. Collection method: clinical testing. Allele origin: germline. Observed: 1 variant allele.
Comment: BP4, PM2

NM_004715.5(CTDP1):c.977C>T (p.Thr326Met)

Gene: CTDP1 (CTD phosphatase subunit 1; plus strand). Cytogenetic location: 18q23.
Variant type: single nucleotide variant.
Coding change: c.977C>T on transcript NM_004715.5 (MANE Select); coding-DNA position 977, C replaced by T.
Protein change: p.Thr326Met; replaces threonine 326 with methionine.
Molecular consequence: missense variant.
Genome position (GRCh38, 1-based): chr18:79,713,085, C>T. VCF-style: chr18-79713085-C-T. GRCh37 (hg19) VCF-style: chr18-77473085-C-T.
Other names: p.Thr326Met; c.620C>T, p.Thr207Met (NM_001202504.1); c.977C>T, p.Thr326Met (NM_001318511.2, NM_048368.4); short protein forms T207M, T326M.
Identifiers: ClinVar variation 3380549 (VCV003380549.1).